The following is an entry in ClinVar:

ClinVar aggregate classification (germline): Uncertain significance (1 of 4 stars; one submission).

Allele frequency attached by ClinVar (database versions not stated): gnomAD exomes below 0.00001; ExAC 0.00003; TOPMed 0.00007; ESP Exome Variant Server 0.00008; gnomAD 0.00011.

Submission:

Labcorp Genetics (formerly Invitae), Labcorp
Classification: Uncertain significance. Last evaluated: 2022-05-12. Review status: criteria provided, single submitter. Criteria: Invitae Variant Classification Sherloc (09022015). Collection method: clinical testing. Allele origin: germline.
Comment: This sequence change replaces glycine, which is neutral and non-polar, with arginine, which is basic and polar, at codon 17 of the SLC1A4 protein (p.Gly17Arg). The frequency data for this variant in the population databases is considered unreliable, as metrics indicate poor data quality at this position in the gnomAD database. This variant has not been reported in the literature in individuals affected with SLC1A4-related conditions. Algorithms developed to predict the effect of missense changes on protein structure and function (SIFT, PolyPhen-2, Align-GVGD) all suggest that this variant is likely to be tolerated. In summary, the available evidence is currently insufficient to determine the role of this variant in disease. Therefore, it has been classified as a Variant of Uncertain Significance.

NM_003038.5(SLC1A4):c.49G>A (p.Gly17Arg)

Gene: SLC1A4 (solute carrier family 1 member 4; plus strand). Cytogenetic location: 2p14.
Variant type: single nucleotide variant.
Coding change: c.49G>A on transcript NM_003038.5 (MANE Select); coding-DNA position 49, G replaced by A.
Protein change: p.Gly17Arg; replaces glycine 17 with arginine.
Molecular consequence: missense variant. On other transcripts: intron variant (3).
Genome position (GRCh38, 1-based): chr2:64,989,692, G>A. VCF-style: chr2-64989692-G-A. GRCh37 (hg19) VCF-style: chr2-65216826-G-A.
Other names: c.-134+1072G>A (NM_001348406.2, NM_001193493.2); c.-134+1138G>A (NM_001348407.2); short protein forms G17R.
Identifiers: ClinVar variation 1920322 (VCV001920322.2), dbSNP rs367874935, ClinGen allele CA1685818.